The following is an entry in ClinVar:

ClinVar aggregate classification (germline): Uncertain significance. Review status: criteria provided, multiple submitters, no conflicts (2 of 4 stars). 3 submissions from 3 submitters: Uncertain significance (3). Last evaluated 2024-08-28.

Conditions:
Inborn genetic diseases. Identifiers: MedGen C0950123, MeSH D030342.

Allele frequency attached by ClinVar (database versions not stated): gnomAD exomes 0.00002; TOPMed 0.00003; ExAC 0.00002; gnomAD 0.00004.
gnomAD v4.1: 21 of 1,613,986 alleles (0.0013%); highest among the groups gnomAD compares: African/African-American, 0.012%; no homozygotes.

Submissions (3):

Ambry Genetics
Classification: Uncertain significance for Inborn genetic diseases. Last evaluated: 2024-08-28. Review status: criteria provided, single submitter. Criteria: Ambry Variant Classification Scheme 2023. Collection method: clinical testing. Allele origin: germline.

Women's Health and Genetics/Laboratory Corporation of America, LabCorp
Classification: Uncertain significance. Last evaluated: 2023-11-21. Review status: criteria provided, single submitter. Criteria: LabCorp Variant Classification Summary - May 2015. Collection method: clinical testing. Allele origin: germline.
Comment: Variant summary: FGF3 c.280G>A (p.Gly94Arg) results in a non-conservative amino acid change in the encoded protein sequence. Four of five in-silico tools predict a damaging effect of the variant on protein function. The variant allele was found at a frequency of 2e-05 in 251486 control chromosomes. The available data on variant occurrences in the general population are insufficient to allow any conclusion about variant significance. To our knowledge, no occurrence of c.280G>A in individuals affected with Deafness With Labyrinthine Aplasia Microtia And Microdontia and no experimental evidence demonstrating its impact on protein function have been reported. One submitter has cited clinical-significance assessments for this variant to ClinVar after 2014 and has classified the variant as uncertain significance. Based on the evidence outlined above, the variant was classified as uncertain significance.

Eurofins Ntd Llc (ga)
Classification: Uncertain significance. Last evaluated: 2018-04-04. Review status: criteria provided, single submitter. Criteria: EGL ClinVar v180209 classification definitions. Collection method: clinical testing. Allele origin: germline. Observed: 1 variant allele, 1 heterozygote.

NM_005247.4(FGF3):c.280G>A (p.Gly94Arg)

Gene: FGF3 (fibroblast growth factor 3; minus strand). Cytogenetic location: 11q13.3.
Variant type: single nucleotide variant.
Coding change: c.280G>A on transcript NM_005247.4 (MANE Select); coding-DNA position 280, G replaced by A.
Protein change: p.Gly94Arg; replaces glycine 94 with arginine.
Molecular consequence: missense variant.
Genome position (GRCh38, 1-based): chr11:69,816,364, C>T on the plus strand (G>A on the coding strand, the complement: FGF3 is on the minus strand). VCF-style: chr11-69816364-C-T. GRCh37 (hg19) VCF-style: chr11-69631132-C-T.
Other names: c.280G>A (NM_005247.2); short protein forms G94R.
Identifiers: ClinVar variation 596475 (VCV000596475.7), dbSNP rs782507721, ClinGen allele CA6157153.
Genomic context (GRCh38, chr11:69,816,364, plus strand): 5'-GACAGCCTGGACTCACCGAAGCATAGAGTCGTCCCCTCTTGTTCATGGCCAGGTACCGCC[C>T]GGAGAAGAGACCCCTGATGGCCACAATGCCCACCTCCACTGCCGTTATCTCCAAAATACC-3'
Protein context (NP_005238.1, residues 84-104): GIVAIRGLFS[Gly94Arg]RYLAMNKRGR